The following is an entry in ClinVar:

ClinVar aggregate classification (germline): Uncertain significance (1 of 4 stars; one submission).

Conditions:
Charcot-Marie-Tooth disease type 4. Also called: Charcot-Marie-Tooth disease, type IV; Charcot-Marie-Tooth, Type 4. Identifiers: Orphanet 64749, MedGen C4082197, MONDO:0018995.

Submission:

Labcorp Genetics (formerly Invitae), Labcorp
Classification: Uncertain significance for Charcot-Marie-Tooth disease type 4. Last evaluated: 2021-06-16. Review status: criteria provided, single submitter. Criteria: Invitae Variant Classification Sherloc (09022015). Collection method: clinical testing. Allele origin: germline.
Comment: This variant has not been reported in the literature in individuals with SBF2-related conditions. This variant is not present in population databases (ExAC no frequency). This variant, c.873_875del, results in the deletion of 1 amino acid(s) of the SBF2 protein (p.Ile292del), but otherwise preserves the integrity of the reading frame. Experimental studies and prediction algorithms are not available or were not evaluated, and the functional significance of this variant is currently unknown. In summary, the available evidence is currently insufficient to determine the role of this variant in disease. Therefore, it has been classified as a Variant of Uncertain Significance.

NM_030962.4(SBF2):c.873_875del (p.Ile292del)

Gene: SBF2 (SET binding factor 2; minus strand). Cytogenetic location: 11p15.4.
Variant type: Deletion.
Coding change: c.873_875del on transcript NM_030962.4 (MANE Select); coding-DNA positions 873 to 875, 3 bases deleted (CAT; older notation c.873_875delCAT).
Protein change: p.Ile292del; deletes isoleucine 292.
Molecular consequence: inframe deletion.
Genome position (GRCh38, 1-based): chr11:9,998,366-9,998,368, ATG deleted on the plus strand (CAT on the coding strand, the reverse complement: SBF2 is on the minus strand); deleting any 3 consecutive bases within chr11:9,998,366-9,998,370 gives the same sequence; the c. name uses the placement nearest the transcript's 3' end. VCF-style (leftmost placement, unchanged base first): chr11-9998365-TATG-T. GRCh37 (hg19) VCF-style: chr11-10019912-TATG-T.
Other names: c.873_875del, p.Ile292del (NM_001386339.1, NM_001386342.1); short protein forms I292del.
Identifiers: ClinVar variation 1513657 (VCV001513657.8), dbSNP rs2134496803, ClinGen allele CA2573147062.